The following is an entry in ClinVar:

ClinVar aggregate classification (germline): Likely benign (1 of 4 stars; one submission).

gnomAD v4.1: 6 of 1,612,134 alleles (0.00037%); highest among the groups gnomAD compares: African/African-American, 0.004%; no homozygotes.

Submission:

Mayo Clinic Laboratories, Mayo Clinic
Classification: Likely benign. Last evaluated: 2025-08-25. Review status: criteria provided, single submitter. Criteria: ACMG Guidelines, 2015. Collection method: clinical testing. Allele origin: germline. Observed: 1 variant allele.
Comment: BP4, BP7

NM_007098.4(CLTCL1):c.951T>C (p.Gly317=)

Gene: CLTCL1 (clathrin heavy chain like 1; minus strand). Cytogenetic location: 22q11.21.
Variant type: single nucleotide variant.
Coding change: c.951T>C on transcript NM_007098.4 (MANE Select); coding-DNA position 951, T replaced by C.
Protein change: p.Gly317=; no amino-acid change (glycine 317 retained).
Molecular consequence: synonymous variant.
Genome position (GRCh38, 1-based): chr22:19,235,714, A>G on the plus strand (T>C on the coding strand, the complement: CLTCL1 is on the minus strand). VCF-style: chr22-19235714-A-G. GRCh37 (hg19) VCF-style: chr22-19223237-A-G.
Other names: p.Gly317=; c.951T>C, p.Gly317= (NM_001835.4).
Identifiers: ClinVar variation 4684462 (VCV004684462.1).